The following is an entry in ClinVar:

ClinVar aggregate classification (germline): Likely benign (0 of 4 stars; one submission).

Conditions:
MRPS2-related disorder. Also called: MRPS2-related condition.

Allele frequency attached by ClinVar (database versions not stated): gnomAD exomes 0.00001; TOPMed 0.00001; gnomAD 0.00002; ExAC 0.00003.
gnomAD v4.1: 11 of 1,613,682 alleles (0.00068%); highest among the groups gnomAD compares: Admixed American, 0.0083%; no homozygotes.

Submission:

PreventionGenetics, part of Exact Sciences
Classification: Likely benign for MRPS2-related condition. Last evaluated: 2019-04-03. Review status: no assertion criteria provided. Collection method: clinical testing. Allele origin: germline.
Comment: This variant is classified as likely benign based on ACMG/AMP sequence variant interpretation guidelines (Richards et al. 2015 PMID: 25741868, with internal and published modifications).

NM_016034.5(MRPS2):c.204G>A (p.Lys68=)

Gene: MRPS2 (mitochondrial ribosomal protein S2; plus strand). Cytogenetic location: 9q34.3.
Variant type: single nucleotide variant.
Coding change: c.204G>A on transcript NM_016034.5 (MANE Select); coding-DNA position 204, G replaced by A.
Protein change: p.Lys68=; no amino-acid change (lysine 68 retained).
Molecular consequence: synonymous variant. On other transcripts: non-coding transcript variant (4).
Genome position (GRCh38, 1-based): chr9:135,501,878, G>A. VCF-style: chr9-135501878-G-A. GRCh37 (hg19) VCF-style: chr9-138393724-G-A.
Other names: c.204G>A, p.Lys68= (NM_001371401.1).
Identifiers: ClinVar variation 3047417 (VCV003047417.2), dbSNP rs772577776, ClinGen allele CA5323853.
Genomic context (GRCh38, chr9:135,501,878, plus strand): 5'-AGCGTCGCTCCTCCTCCCTGCCGTAGATTTCAACGACAAGATTTTGAATGAGCCCCTCAA[G>A]CACTCTGACTTCTTCAATGTCAAGGAACTGTTTTCCGTGAGAAGCCTCTTCGATGCCCGA-3'
Protein context (NP_057118.1, residues 58-78): FNDKILNEPL[Lys68=]HSDFFNVKEL